The following is an entry in ClinVar:

NM_002907.4(RECQL):c.1214C>T (p.Ala405Val)

Gene: RECQL (RecQ like helicase; minus strand). Cytogenetic location: 12p12.1.
Variant type: single nucleotide variant.
Coding change: c.1214C>T on transcript NM_002907.4 (MANE Select); coding-DNA position 1214, C replaced by T.
Protein change: p.Ala405Val; replaces alanine 405 with valine.
Molecular consequence: missense variant.
Genome position (GRCh38, 1-based): chr12:21,475,470, G>A on the plus strand (C>T on the coding strand, the complement: RECQL is on the minus strand). VCF-style: chr12-21475470-G-A. GRCh37 (hg19) VCF-style: chr12-21628404-G-A.
Other names: c.1214C>T, p.Ala405Val (NM_032941.3); short protein forms A405V.
Identifiers: ClinVar variation 1751160 (VCV001751160.2), dbSNP rs1486954225, ClinGen allele CA384119120.

ClinVar aggregate classification (germline): Uncertain significance (1 of 4 stars; one submission).

Allele frequency attached by ClinVar (database versions not stated): TOPMed below 0.00001; gnomAD 0.00001.
gnomAD v4.1: 1 of 1,593,404 alleles (0.000063%); highest among the groups gnomAD compares: Non-Finnish European, 0.000086%; no homozygotes.

Submission:

Ambry Genetics
Classification: Uncertain significance. Last evaluated: 2022-05-24. Review status: criteria provided, single submitter. Criteria: Ambry Variant Classification Scheme 2023. Collection method: clinical testing. Allele origin: germline.
Comment: The p.A405V variant (also known as c.1214C>T), located in coding exon 9 of the RECQL gene, results from a C to T substitution at nucleotide position 1214. The alanine at codon 405 is replaced by valine, an amino acid with similar properties. This amino acid position is conserved. In addition, this alteration is predicted to be deleterious by in silico analysis. Since supporting evidence is limited at this time, the clinical significance of this alteration remains unclear.